The following is an entry in ClinVar:

ClinVar aggregate classification (germline): Uncertain significance (1 of 4 stars; one submission).

Submission:

GeneDx
Classification: Uncertain significance. Last evaluated: 2020-03-04. Review status: criteria provided, single submitter. Criteria: GeneDx Variant Classification Process June 2021. Collection method: clinical testing. Allele origin: germline. Affected: yes.
Comment: Not observed in large population cohorts (Lek et al., 2016); In silico analysis supports that this missense variant has a deleterious effect on protein structure/function; Has not been previously published as pathogenic or benign to our knowledge

NM_014314.4(RIGI):c.1119A>C (p.Glu373Asp)

Gene: RIGI (RNA sensor RIG-I; minus strand). Cytogenetic location: 9p21.1.
Variant type: single nucleotide variant.
Coding change: c.1119A>C on transcript NM_014314.4 (MANE Select); coding-DNA position 1119, A replaced by C.
Protein change: p.Glu373Asp; replaces glutamic acid 373 with aspartic acid.
Molecular consequence: missense variant.
Genome position (GRCh38, 1-based): chr9:32,488,038, T>G on the plus strand (A>C on the coding strand, the complement: RIGI is on the minus strand). VCF-style: chr9-32488038-T-G. GRCh37 (hg19) VCF-style: chr9-32488036-T-G.
Other names: short protein forms E373D.
Identifiers: ClinVar variation 452177 (VCV000452177.4), dbSNP rs1554667396, ClinGen allele CA373157783.
Genomic context (GRCh38, chr9:32,488,038, plus strand): 5'-CTGATCTAGATAATTAAACATGATCATATTGTACGGGTGTTGTTTACTAGTGTTGTGGCA[T>G]TCATCAAATATCATCAAAGTAAAGATGGATAGTGATGGAATCGTTCCCTTTTTAAGGTTG-3'
Protein context (NP_055129.2, residues 363-383): LSIFTLMIFD[Glu373Asp]CHNTSKQHPY